The following is an entry in ClinVar:

NM_024409.4(NPPC):c.197G>T (p.Gly66Val)

Gene: NPPC (natriuretic peptide C; minus strand). Cytogenetic location: 2q37.1.
Variant type: single nucleotide variant.
Coding change: c.197G>T on transcript NM_024409.4 (MANE Select); coding-DNA position 197, G replaced by T.
Protein change: p.Gly66Val; replaces glycine 66 with valine.
Molecular consequence: missense variant.
Genome position (GRCh38, 1-based): chr2:231,925,609, C>A on the plus strand (G>T on the coding strand, the complement: NPPC is on the minus strand). VCF-style: chr2-231925609-C-A. GRCh37 (hg19) VCF-style: chr2-232790319-C-A.
Other names: short protein forms G66V.
Identifiers: ClinVar variation 4773982 (VCV004773982.1).

ClinVar aggregate classification (germline): Uncertain significance (1 of 4 stars; one submission).

Submission:

Labcorp Genetics (formerly Invitae), Labcorp
Classification: Uncertain significance. Last evaluated: 2025-10-01. Review status: criteria provided, single submitter. Criteria: Invitae Variant Classification Sherloc (09022015). Collection method: clinical testing. Allele origin: germline.
Comment: This sequence change replaces glycine, which is neutral and non-polar, with valine, which is neutral and non-polar, at codon 66 of the NPPC protein (p.Gly66Val). This variant is not present in population databases (gnomAD no frequency). This variant has not been reported in the literature in individuals affected with NPPC-related conditions. An algorithm developed to predict the effect of missense changes on protein structure and function (PolyPhen-2) suggests that this variant is likely to be disruptive. In summary, the available evidence is currently insufficient to determine the role of this variant in disease. Therefore, it has been classified as a Variant of Uncertain Significance.